The following is an entry in ClinVar:

ClinVar aggregate classification (germline): Uncertain significance. Review status: criteria provided, multiple submitters, no conflicts (2 of 4 stars). 3 submissions from 3 submitters: Uncertain significance (3). Last evaluated 2026-03-05.

Conditions:
RYR1-related disorder. Also called: RYR1-related condition; RYR1-related disorders. Identifiers: MedGen CN239331.
Malignant hyperthermia, susceptibility to, 1 (MHS1). Also called: RYR1-Related Malignant Hyperthermia Susceptibility; Anesthesia related hyperthermia; Malignant hyperpyrexia; Fulminating hyperpyrexia; Pharmacogenic myopathy; Malignant hyperthermia suceptibility 1. Identifiers: Orphanet 423, MedGen C2930980, MONDO:0007783, OMIM 145600.

Allele frequency attached by ClinVar (database versions not stated): gnomAD exomes below 0.00001.
gnomAD v4.1: 1 of 1,613,708 alleles (0.000062%); highest among the groups gnomAD compares: Non-Finnish European, 0.000085%; no homozygotes.

Submissions (3):

GeneDx
Classification: Uncertain significance. Last evaluated: 2026-03-05. Review status: criteria provided, single submitter. Criteria: GeneDx Variant Classification Process June 2021. Collection method: clinical testing. Allele origin: germline.
Comment: Not observed at significant frequency in large population cohorts (gnomAD); In silico analysis supports that this missense variant has a deleterious effect on protein structure/function; Has not been previously published as pathogenic or benign to our knowledge

All of Us Research Program, National Institutes of Health
Classification: Uncertain significance for Malignant hyperthermia, susceptibility to, 1. Last evaluated: 2023-12-01. Review status: criteria provided, single submitter. Criteria: ACMG Guidelines, 2015. Collection method: clinical testing. Allele origin: germline. Inheritance: Autosomal dominant inheritance. Observed: 3 variant alleles, 3 heterozygotes.
Comment: This missense variant replaces alanine with valine at codon 3775 of the RYR1 protein. Computational prediction is inconclusive regarding the impact of this variant on protein structure and function (internally defined REVEL score threshold 0.5 < inconclusive < 0.7, PMID: 27666373). To our knowledge, functional studies have not been reported for this variant. This variant has not been reported in individuals affected with RYR1-related disorders in the literature. This variant has not been identified in the general population by the Genome Aggregation Database (gnomAD). The available evidence is insufficient to determine the role of this variant in disease conclusively. Therefore, this variant is classified as a Variant of Uncertain Significance.

This study involves interpretation of variants in research participants for the purpose of population health screening. Participant phenotype was not available at the time of variant classification. Additional details can be found in publication PMID: 35346344, PMCID: PMC8962531

Labcorp Genetics (formerly Invitae), Labcorp
Classification: Uncertain significance for RYR1-related disorder. Last evaluated: 2020-03-12. Review status: criteria provided, single submitter. Criteria: Invitae Variant Classification Sherloc (09022015). Collection method: clinical testing. Allele origin: germline.
Comment: In summary, the available evidence is currently insufficient to determine the role of this variant in disease. Therefore, it has been classified as a Variant of Uncertain Significance. Algorithms developed to predict the effect of missense changes on protein structure and function are either unavailable or do not agree on the potential impact of this missense change (SIFT: "Deleterious"; PolyPhen-2: "Benign"; Align-GVGD: "Class C0"). This variant has not been reported in the literature in individuals with RYR1-related conditions. This variant is not present in population databases (ExAC no frequency). This sequence change replaces alanine with valine at codon 3775 of the RYR1 protein (p.Ala3775Val). The alanine residue is highly conserved and there is a small physicochemical difference between alanine and valine.

NM_000540.3(RYR1):c.11324C>T (p.Ala3775Val)

Gene: RYR1 (ryanodine receptor 1; plus strand). Cytogenetic location: 19q13.2.
Variant type: single nucleotide variant.
Coding change: c.11324C>T on transcript NM_000540.3 (MANE Select); coding-DNA position 11324, C replaced by T.
Protein change: p.Ala3775Val; replaces alanine 3775 with valine.
Molecular consequence: missense variant.
Genome position (GRCh38, 1-based): chr19:38,534,784, C>T. VCF-style: chr19-38534784-C-T. GRCh37 (hg19) VCF-style: chr19-39025424-C-T.
Other names: c.11309C>T, p.Ala3770Val (NM_001042723.2); c.11324C>T (NM_000540.2); short protein forms A3770V, A3775V.
Identifiers: ClinVar variation 1021979 (VCV001021979.10), dbSNP rs1971892835, ClinGen allele CA405654751.